The following is an entry in ClinVar:

NM_012309.5(SHANK2):c.4272C>T (p.Pro1424=)

Gene: SHANK2 (SH3 and multiple ankyrin repeat domains 2; minus strand). Cytogenetic location: 11q13.3.
Variant type: single nucleotide variant.
Coding change: c.4272C>T on transcript NM_012309.5 (MANE Select); coding-DNA position 4272, C replaced by T.
Protein change: p.Pro1424=; no amino-acid change (proline 1424 retained).
Molecular consequence: synonymous variant.
Genome position (GRCh38, 1-based): chr11:70,486,021, G>A on the plus strand (C>T on the coding strand, the complement: SHANK2 is on the minus strand). VCF-style: chr11-70486021-G-A. GRCh37 (hg19) VCF-style: chr11-70332126-G-A.
Other names: c.3135C>T, p.Pro1045= (NM_001379226.1); c.2508C>T, p.Pro836= (NM_133266.5).
Identifiers: ClinVar variation 436705 (VCV000436705.14), dbSNP rs147305649, ClinGen allele CA6160950.

ClinVar aggregate classification (germline): Benign/Likely benign. Review status: criteria provided, multiple submitters, no conflicts (2 of 4 stars). 3 submissions from 3 submitters: Benign (1); Likely benign (2). Last evaluated 2026-03-01.

Allele frequency attached by ClinVar (database versions not stated): gnomAD 0.00060 and 0.00061; TOPMed 0.00060; ExAC 0.00078; ESP Exome Variant Server 0.00085.
gnomAD v4.1: 1,585 of 1,614,024 alleles (0.098%); highest among the groups gnomAD compares: Non-Finnish European, 0.12%; 3 homozygotes.

Submissions (3):

CeGaT Center for Human Genetics Tuebingen
Classification: Likely benign. Last evaluated: 2026-03-01. Review status: criteria provided, single submitter. Criteria: CeGaT Center For Human Genetics Tuebingen Variant Classification Criteria Version 2. Collection method: clinical testing. Allele origin: germline. Affected: yes. Observed: 1 variant allele.
Comment: SHANK2: BP4, BP7, BS1

Labcorp Genetics (formerly Invitae), Labcorp
Classification: Benign. Last evaluated: 2019-12-31. Review status: criteria provided, single submitter. Criteria: Invitae Variant Classification Sherloc (09022015). Collection method: clinical testing. Allele origin: germline.

Genetic Services Laboratory, University of Chicago
Classification: Likely benign. Last evaluated: 2016-04-25. Review status: criteria provided, single submitter. Criteria: ACMG Guidelines, 2015. Collection method: clinical testing. Allele origin: germline. Affected: no.